The following is an entry in ClinVar:

NM_000256.3(MYBPC3):c.1595_1596delinsT (p.Gly532fs)

Gene: MYBPC3 (myosin binding protein C3; minus strand). Cytogenetic location: 11p11.2.
Variant type: Indel.
Coding change: c.1595_1596delinsT on transcript NM_000256.3 (MANE Select); coding-DNA positions 1595 to 1596, GC replaced by T.
Protein change: p.Gly532fs; shifts the reading frame from glycine 532.
Molecular consequence: frameshift variant.
Genome position (GRCh38, 1-based): chr11:47,342,606-47,342,607, GC replaced by A on the plus strand (GC replaced by T on the coding strand, the reverse complement: MYBPC3 is on the minus strand). VCF-style: chr11-47342606-GC-A. GRCh37 (hg19) VCF-style: chr11-47364157-GC-A.
Other names: c.1595_1596delGCinsT (NM_000256.3); short protein forms G532fs.
Identifiers: ClinVar variation 1775992 (VCV001775992.2), dbSNP rs2495762508, ClinGen allele CA2580084244.

ClinVar aggregate classification (germline): Pathogenic (1 of 4 stars; one submission).

Conditions:
Cardiovascular phenotype. Identifiers: MedGen CN230736.

Submission:

Ambry Genetics
Classification: Pathogenic for Cardiovascular phenotype. Last evaluated: 2018-11-09. Review status: criteria provided, single submitter. Criteria: Ambry Variant Classification Scheme 2023. Collection method: clinical testing. Allele origin: germline.
Comment: The c.1595_1596delGCinsT pathogenic mutation, located in coding exon 17 of the MYBPC3 gene, results from the deletion of GC and insertion of T at nucleotide positions 1595 to 1596, causing a translational frameshift with a predicted alternate stop codon (p.G532Vfs*23). This alteration is expected to result in loss of function by premature protein truncation or nonsense-mediated mRNA decay. As such, this alteration is interpreted as a disease-causing mutation.